The following is an entry in ClinVar:

ClinVar aggregate classification (germline): Uncertain significance (0 of 4 stars; one submission).

Conditions:
TTC7A-related disorder. Also called: TTC7A-related condition.

Submission:

PreventionGenetics, part of Exact Sciences
Classification: Uncertain significance for TTC7A-related condition. Last evaluated: 2023-12-27. Review status: no assertion criteria provided. Collection method: clinical testing. Allele origin: germline.
Comment: The TTC7A c.845T>C variant is predicted to result in the amino acid substitution p.Met282Thr. To our knowledge, this variant has not been reported in the literature or in a large population database, indicating this variant is rare. At this time, the clinical significance of this variant is uncertain due to the absence of conclusive functional and genetic evidence.

NM_020458.4(TTC7A):c.845T>C (p.Met282Thr)

Gene: TTC7A (tetratricopeptide repeat domain 7A; plus strand). Cytogenetic location: 2p21.
Variant type: single nucleotide variant.
Coding change: c.845T>C on transcript NM_020458.4 (MANE Select); coding-DNA position 845, T replaced by C.
Protein change: p.Met282Thr; replaces methionine 282 with threonine.
Molecular consequence: missense variant. On other transcripts: intron variant (1).
Genome position (GRCh38, 1-based): chr2:46,994,358, T>C. VCF-style: chr2-46994358-T-C. GRCh37 (hg19) VCF-style: chr2-47221497-T-C.
Other names: c.845T>C, p.Met282Thr (NM_001288951.2); c.743T>C, p.Met248Thr (NM_001288953.2); c.-61-778T>C (NM_001288955.2); short protein forms M248T, M282T.
Identifiers: ClinVar variation 3028988 (VCV003028988.2), dbSNP rs1675931945, ClinGen allele CA346713300.
Genomic context (GRCh38, chr2:46,994,358, plus strand): 5'-GTCATGCTGGGGTAGAGCTGACAACTGTGCCTGGGTCCGAGTGCTTCCCTCTCTGCCAGA[T>C]GGCGGCCAAGCACCTGGCGGGGGTCCTGCTGCACTCCCTGAGTGAGGAGTGCTACTGGAG-3'
Protein context (NP_065191.2, residues 272-292): ETKATQNFKV[Met282Thr]AAKHLAGVLL